The following is an entry in ClinVar:

ClinVar aggregate classification (germline): Uncertain significance (1 of 4 stars; one submission).

Submission:

Labcorp Genetics (formerly Invitae), Labcorp
Classification: Uncertain significance. Last evaluated: 2021-11-15. Review status: criteria provided, single submitter. Criteria: Invitae Variant Classification Sherloc (09022015). Collection method: clinical testing. Allele origin: germline.
Comment: This sequence change replaces leucine, which is neutral and non-polar, with proline, which is neutral and non-polar, at codon 1232 of the ALPK3 protein (p.Leu1232Pro). In summary, the available evidence is currently insufficient to determine the role of this variant in disease. Therefore, it has been classified as a Variant of Uncertain Significance. Algorithms developed to predict the effect of missense changes on protein structure and function are either unavailable or do not agree on the potential impact of this missense change (SIFT: "Deleterious"; PolyPhen-2: "Probably Damaging"; Align-GVGD: "Class C0"). This variant has not been reported in the literature in individuals affected with ALPK3-related conditions. This variant is not present in population databases (gnomAD no frequency).

NM_020778.5(ALPK3):c.3089T>C (p.Leu1030Pro)

Gene: ALPK3 (alpha kinase 3; plus strand). Cytogenetic location: 15q25.3.
Variant type: single nucleotide variant.
Coding change: c.3089T>C on transcript NM_020778.5 (MANE Select); coding-DNA position 3089, T replaced by C.
Protein change: p.Leu1030Pro; replaces leucine 1030 with proline.
Molecular consequence: missense variant.
Genome position (GRCh38, 1-based): chr15:84,857,827, T>C. VCF-style: chr15-84857827-T-C. GRCh37 (hg19) VCF-style: chr15-85401058-T-C.
Other names: short protein forms L1030P.
Identifiers: ClinVar variation 1380133 (VCV001380133.6), dbSNP rs2141568627, ClinGen allele CA393359580.
Genomic context (GRCh38, chr15:84,857,827, plus strand): 5'-CATCGAGGCGCATCCTGGAGCGTGTGGAGAACAACCACCTGGTGCAGAGTGCACAGACCC[T>C]GCTGCTGAGCCCCTGTACCTCCCGCCGCCTCACCGGCCTCCTGGACCGTGAGGTGCAGGC-3'
Protein context (NP_065829.4, residues 1020-1040): NNHLVQSAQT[Leu1030Pro]LLSPCTSRRL